The following is an entry in ClinVar:

ClinVar aggregate classification (germline): Uncertain significance (1 of 4 stars; one submission).

Conditions:
Early-onset myopathy with fatal cardiomyopathy (CMYO5). Also called: Salih Myopathy; CONGENITAL MYOPATHY 5 WITH CARDIOMYOPATHY. Identifiers: Orphanet 289377, MedGen C2673677, MONDO:0012714, OMIM 611705. Disease mechanism: loss of function.

Allele frequency attached by ClinVar (database versions not stated): gnomAD 0.00001; ExAC 0.00002; 1000 Genomes Project 30x 0.00016; 1000 Genomes Project 0.00020.
gnomAD v4.1: 3 of 1,605,664 alleles (0.00019%); highest among the groups gnomAD compares: South Asian, 0.0011%; no homozygotes.

Submission:

Foundation for Research in Genetics and Endocrinology, FRIGE's Institute of Human Genetics
Classification: Uncertain significance for Early-onset myopathy with fatal cardiomyopathy. Last evaluated: 2022-10-19. Review status: criteria provided, single submitter. Criteria: ACMG Guidelines, 2015. Collection method: clinical testing. Allele origin: germline. Inheritance: Autosomal recessive inheritance. Affected: yes. Observed: 1 heterozygote.
Comment: A heterozygous missense variation in exon 350 of the TTN gene (chr2:g.178541369A>G; Depth: 195x) that results in the amino acid substitution of Histidine for Tyrosine at codon 32570 (p.Tyr32570His; ENST00000589042.5) was detected (Table). This variant has not been reported in the gnomAD and has a minor allele frequency of 0.02% and 0.009% in the 1000 genomes and our internal databases respectively. The in silico prediction# of the variant is probably damaging by PolyPhen-2 (HumDiv). The reference codon is conserved across species.

NM_001267550.2(TTN):c.97708T>C (p.Tyr32570His)

Genes: TTN (titin; minus strand), TTN-AS1 (TTN antisense RNA 1; plus strand). Cytogenetic location: 2q31.2.
Variant type: single nucleotide variant.
Coding change: c.97708T>C on transcript NM_001267550.2 (MANE Select); coding-DNA position 97708, T replaced by C.
Protein change: p.Tyr32570His; replaces tyrosine 32570 with histidine.
Molecular consequence: missense variant.
Genome position (GRCh38, 1-based): chr2:178,541,369, A>G on the plus strand (T>C on the coding strand, the complement: TTN is on the minus strand). VCF-style: chr2-178541369-A-G. GRCh37 (hg19) VCF-style: chr2-179406096-A-G.
Other names: p.Tyr32570His; c.92785T>C, p.Tyr30929His (NM_001256850.1); c.70513T>C, p.Tyr23505His (NM_003319.4); c.90004T>C, p.Tyr30002His (NM_133378.4); c.70888T>C, p.Tyr23630His (NM_133432.3); c.71089T>C, p.Tyr23697His (NM_133437.4); short protein forms Y23505H, Y23630H, Y23697H, Y30002H, Y30929H, Y32570H.
Identifiers: ClinVar variation 1802148 (VCV001802148.2), dbSNP rs529186119, ClinGen allele CA1986504.